The following is an entry in ClinVar:

ClinVar aggregate classification (germline): Benign/Likely benign. Review status: criteria provided, multiple submitters, no conflicts (2 of 4 stars). 3 submissions from 3 submitters: Benign (1); Likely benign (2). Last evaluated 2026-09-01.

Allele frequency attached by ClinVar (database versions not stated): ESP Exome Variant Server 0.00062; 1000 Genomes Project 30x 0.00078; 1000 Genomes Project 0.00080; gnomAD 0.00092; TOPMed 0.00094; gnomAD exomes 0.00097; ExAC 0.00102.
gnomAD v4.1: 1,564 of 1,612,766 alleles (0.097%); highest among the groups gnomAD compares: Middle Eastern, 0.28%; 1 homozygote.

Submissions (3):

CeGaT Center for Human Genetics Tuebingen
Classification: Likely benign. Last evaluated: 2026-09-01. Review status: criteria provided, single submitter. Criteria: CeGaT Center For Human Genetics Tuebingen Variant Classification Criteria Version 2. Collection method: clinical testing. Allele origin: germline. Affected: yes. Observed: 4 variant alleles.
Comment: LAMA5: BP4, BP7

Labcorp Genetics (formerly Invitae), Labcorp
Classification: Benign. Last evaluated: 2025-12-23. Review status: criteria provided, single submitter. Criteria: Invitae Variant Classification Sherloc (09022015). Collection method: clinical testing. Allele origin: germline.

Blueprint Genetics
Classification: Likely benign. Last evaluated: 2024-11-21. Review status: criteria provided, single submitter. Criteria: ACMG Guidelines, 2015. Collection method: clinical testing. Allele origin: germline.

NM_005560.6(LAMA5):c.8154C>T (p.Arg2718=)

Gene: LAMA5 (laminin subunit alpha 5; minus strand). Cytogenetic location: 20q13.33.
Variant type: single nucleotide variant.
Coding change: c.8154C>T on transcript NM_005560.6 (MANE Select); coding-DNA position 8154, C replaced by T.
Protein change: p.Arg2718=; no amino-acid change (arginine 2718 retained).
Molecular consequence: synonymous variant.
Genome position (GRCh38, 1-based): chr20:62,314,841, G>A on the plus strand (C>T on the coding strand, the complement: LAMA5 is on the minus strand). VCF-style: chr20-62314841-G-A. GRCh37 (hg19) VCF-style: chr20-60889897-G-A.
Identifiers: ClinVar variation 2037494 (VCV002037494.29), dbSNP rs117652580, ClinGen allele CA9940859.
Genomic context (GRCh38, chr20:62,314,841, plus strand): 5'-CCTGGGACTCTCACCCACCTTACTGGCAGCCCCCCGGGCCTGGGCAATGAGCTCTCGCAC[G>A]CGGCCAATGCTGGCGGACAGGGCCAGGCTGGCGTTGTGCACCCCACGGTTCTCCAGGATG-3'
Protein context (NP_005551.3, residues 2708-2728): ASLALSASIG[Arg2718=]VRELIAQARG